The following is an entry in ClinVar:

NM_004415.4(DSP):c.1670T>C (p.Ile557Thr)

Gene: DSP (desmoplakin; plus strand). Cytogenetic location: 6p24.3.
Variant type: single nucleotide variant.
Coding change: c.1670T>C on transcript NM_004415.4 (MANE Select); coding-DNA position 1670, T replaced by C.
Protein change: p.Ile557Thr; replaces isoleucine 557 with threonine.
Molecular consequence: missense variant.
Genome position (GRCh38, 1-based): chr6:7,570,532, T>C. VCF-style: chr6-7570532-T-C. GRCh37 (hg19) VCF-style: chr6-7570765-T-C.
Other names: c.1670T>C, p.Ile557Thr (NM_001008844.3, NM_001319034.2); short protein forms I557T.
Identifiers: ClinVar variation 1312628 (VCV001312628.7), dbSNP rs1759012793, ClinGen allele CA362678403.

ClinVar aggregate classification (germline): Uncertain significance. Review status: criteria provided, multiple submitters, no conflicts (2 of 4 stars). 4 submissions from 4 submitters: Uncertain significance (4). Last evaluated 2025-11-23.

Conditions:
Cardiovascular phenotype. Identifiers: MedGen CN230736.
Arrhythmogenic cardiomyopathy with wooly hair and keratoderma. Also called: Carvajal syndrome; Dilated cardiomyopathy with woolly hair and keratoderma; PALMOPLANTAR KERATODERMA WITH LEFT VENTRICULAR CARDIOMYOPATHY AND WOOLLY HAIR; Arrhythmogenic cardiomyopathy with woolly hair and keratoderma. Identifiers: Orphanet 65282, MedGen C1854063, MONDO:0011581, OMIM 605676.
Arrhythmogenic right ventricular dysplasia 8 (ARVD8). Also called: Arrhythmogenic Right Ventricular Dysplasia/Cardiomyopathy 8; ARRHYTHMOGENIC RIGHT VENTRICULAR CARDIOMYOPATHY 8; ARRHYTHMOGENIC RIGHT VENTRICULAR DYSPLASIA, FAMILIAL, 8. Identifiers: MedGen C1843896, MONDO:0011831, OMIM 607450.

Allele frequency attached by ClinVar (database versions not stated): TOPMed below 0.00001.

Submissions (4):

Labcorp Genetics (formerly Invitae), Labcorp
Classification: Uncertain significance for Arrhythmogenic cardiomyopathy with wooly hair and keratoderma; Arrhythmogenic right ventricular dysplasia 8. Last evaluated: 2025-11-23. Review status: criteria provided, single submitter. Criteria: Invitae Variant Classification Sherloc (09022015). Collection method: clinical testing. Allele origin: germline.
Comment: This sequence change replaces isoleucine, which is neutral and non-polar, with threonine, which is neutral and polar, at codon 557 of the DSP protein (p.Ile557Thr). This variant is not present in population databases (gnomAD no frequency). This variant has not been reported in the literature in individuals affected with DSP-related conditions. ClinVar contains an entry for this variant (Variation ID: 1312628). An algorithm developed to predict the effect of missense changes on protein structure and function (PolyPhen-2) suggests that this variant is likely to be disruptive. In summary, the available evidence is currently insufficient to determine the role of this variant in disease. Therefore, it has been classified as a Variant of Uncertain Significance.

Ambry Genetics
Classification: Uncertain significance for Cardiovascular phenotype. Last evaluated: 2024-11-19. Review status: criteria provided, single submitter. Criteria: Ambry Variant Classification Scheme 2023. Collection method: clinical testing. Allele origin: germline.
Comment: The p.I557T variant (also known as c.1670T>C), located in coding exon 13 of the DSP gene, results from a T to C substitution at nucleotide position 1670. The isoleucine at codon 557 is replaced by threonine, an amino acid with similar properties. This variant was reported in an individual in a peripartum cardiomyopathy cohort, but clinical details were limited (Goli R et al. Circulation, 2021 May;143:1852-1862). This amino acid position is highly conserved in available vertebrate species. In addition, this alteration is predicted to be deleterious by in silico analysis. Based on the available evidence, the clinical significance of this variant remains unclear.

All of Us Research Program, National Institutes of Health
Classification: Uncertain significance for Arrhythmogenic cardiomyopathy with wooly hair and keratoderma. Last evaluated: 2024-06-11. Review status: criteria provided, single submitter. Criteria: ACMG Guidelines, 2015. Collection method: clinical testing. Allele origin: germline. Inheritance: Autosomal dominant inheritance. Observed: 1 variant allele, 1 heterozygote.
Comment: This study involves interpretation of variants in research participants for the purpose of population health screening. Participant phenotype was not available at the time of variant classification. Additional details can be found in publication PMID: 35346344, PMCID: PMC8962531

GeneDx
Classification: Uncertain significance. Last evaluated: 2020-04-15. Review status: criteria provided, single submitter. Criteria: GeneDx Variant Classification Process June 2021. Collection method: clinical testing. Allele origin: germline. Affected: yes.
Comment: Has not been previously published as pathogenic or benign to our knowledge; Not observed in large population cohorts (Lek et al., 2016); In silico analysis supports that this missense variant has a deleterious effect on protein structure/function

Literature cited by the submitters: PubMed 33874732 (cited by Ambry Genetics).